The following is an entry in ClinVar:

NM_000077.5(CDKN2A):c.15_16delinsCT (p.Gly6Trp)

Gene: CDKN2A (cyclin dependent kinase inhibitor 2A; minus strand). Cytogenetic location: 9p21.3.
Variant type: Indel.
Coding change: c.15_16delinsCT on transcript NM_000077.5; coding-DNA positions 15 to 16, GG replaced by CT.
Protein change: p.Gly6Trp; replaces glycine 6 with tryptophan.
Molecular consequence: missense variant (on NM_000077.6). On other transcripts: intron variant (2).
Genome position (GRCh38, 1-based): chr9:21,974,812-21,974,813, CC replaced by AG on the plus strand (GG replaced by CT on the coding strand, the reverse complement: CDKN2A is on the minus strand). VCF-style: chr9-21974812-CC-AG. GRCh37 (hg19) VCF-style: chr9-21974811-CC-AG.
Other names: c.15_16delGGinsCT, p.Gly6Trp (NM_000077.6); c.15_16delinsCT, p.Gly6Trp (NM_001195132.2, NM_058197.5); c.-3-3605_-3-3604delinsCT (NM_001363763.2); c.194-3605_194-3604delinsCT (NM_058195.4); short protein forms G6W.
Identifiers: ClinVar variation 1508121 (VCV001508121.6), dbSNP rs2131114105, ClinGen allele CA2573143674.

ClinVar aggregate classification (germline): Uncertain significance (1 of 4 stars; one submission).

Conditions:
Familial melanoma. Also called: Hereditary melanoma; Hereditary cutaneous melanoma. Identifiers: Orphanet 618, MedGen C1512419, MONDO:0018961.

Submission:

Labcorp Genetics (formerly Invitae), Labcorp
Classification: Uncertain significance for Familial melanoma. Last evaluated: 2025-04-29. Review status: criteria provided, single submitter. Criteria: Invitae Variant Classification Sherloc (09022015). Collection method: clinical testing. Allele origin: germline.
Comment: This sequence change replaces glycine, which is neutral and non-polar, with tryptophan, which is neutral and slightly polar, at codon 6 of the CDKN2A (p16INK4a) protein (p.Gly6Trp). Information on the frequency of this variant in the gnomAD database is not available, as this variant may be reported differently in the database. This variant has not been reported in the literature in individuals affected with CDKN2A (p16INK4a)-related conditions. ClinVar contains an entry for this variant (Variation ID: 1508121). Experimental studies and prediction algorithms are not available or were not evaluated, and the functional significance of this variant is currently unknown. In summary, the available evidence is currently insufficient to determine the role of this variant in disease. Therefore, it has been classified as a Variant of Uncertain Significance.